The following is an entry in ClinVar:

ClinVar aggregate classification (germline): Uncertain significance (1 of 4 stars; one submission).

Allele frequency attached by ClinVar (database versions not stated): TOPMed below 0.00001; gnomAD 0.00001.
gnomAD v4.1: 1 of 1,609,140 alleles (0.000062%); highest among the groups gnomAD compares: Non-Finnish European, 0.000085%; no homozygotes.

Submission:

Labcorp Genetics (formerly Invitae), Labcorp
Classification: Uncertain significance. Last evaluated: 2024-10-24. Review status: criteria provided, single submitter. Criteria: Invitae Variant Classification Sherloc (09022015). Collection method: clinical testing. Allele origin: germline.
Comment: This sequence change replaces alanine, which is neutral and non-polar, with glycine, which is neutral and non-polar, at codon 126 of the APC2 protein (p.Ala126Gly). This variant is not present in population databases (gnomAD no frequency). This variant has not been reported in the literature in individuals affected with APC2-related conditions. ClinVar contains an entry for this variant (Variation ID: 1713335). An algorithm developed to predict the effect of missense changes on protein structure and function (PolyPhen-2) suggests that this variant is likely to be disruptive. In summary, the available evidence is currently insufficient to determine the role of this variant in disease. Therefore, it has been classified as a Variant of Uncertain Significance.

NM_005883.3(APC2):c.377C>G (p.Ala126Gly)

Gene: APC2 (APC regulator of Wnt signaling pathway 2; plus strand). Cytogenetic location: 19p13.3.
Variant type: single nucleotide variant.
Coding change: c.377C>G on transcript NM_005883.3 (MANE Select); coding-DNA position 377, C replaced by G.
Protein change: p.Ala126Gly; replaces alanine 126 with glycine.
Molecular consequence: missense variant.
Genome position (GRCh38, 1-based): chr19:1,453,575, C>G. VCF-style: chr19-1453575-C-G. GRCh37 (hg19) VCF-style: chr19-1453574-C-G.
Other names: c.377C>G, p.Ala126Gly (NM_001351273.1); short protein forms A126G.
Identifiers: ClinVar variation 1713335 (VCV001713335.5), dbSNP rs1401565822, ClinGen allele CA403010707.